The following is an entry in ClinVar:

NM_017849.4(TMEM127):c.484AAG[1] (p.Lys163del)

Gene: TMEM127 (transmembrane protein 127; minus strand). Cytogenetic location: 2q11.2.
Variant type: Microsatellite.
Coding change: c.484AAG[1] on transcript NM_017849.4 (MANE Select); one copy of the 3-base unit AAG starting at c.484; the reference has two copies in a row; one copy, 3 bases deleted.
Protein change: p.Lys163del; deletes lysine 163.
Molecular consequence: inframe deletion.
Genome position (GRCh38, 1-based): chr2:96,254,036-96,254,038, CTT deleted on the plus strand (AAG on the coding strand, the reverse complement: TMEM127 is on the minus strand); deleting any 3 consecutive bases within chr2:96,254,036-96,254,041 gives the same sequence; the position shown is the placement nearest the transcript's 3' end. VCF-style (leftmost placement, unchanged base first): chr2-96254035-ACTT-A. GRCh37 (hg19) VCF-style: chr2-96919773-ACTT-A.
Other names: c.484AAG[1], p.Lys163del (NM_001193304.3); c.232AAG[1], p.Lys79del (NM_001407282.1, NM_001407283.1); short protein forms K79del, K163del.
Identifiers: ClinVar variation 4722015 (VCV004722015.1).

ClinVar aggregate classification (germline): Uncertain significance (1 of 4 stars; one submission).

Conditions:
Hereditary pheochromocytoma and paraganglioma. Also called: Hereditary pheochromocytoma-paraganglioma; Hereditary Paraganglioma-Pheochromocytoma Syndromes; Hereditary paragangliomas and pheochromocytomas. Identifiers: Orphanet 29072, MedGen C4274332, MONDO:0017366.

Submission:

Labcorp Genetics (formerly Invitae), Labcorp
Classification: Uncertain significance for Hereditary pheochromocytoma and paraganglioma. Last evaluated: 2025-06-24. Review status: criteria provided, single submitter. Criteria: Invitae Variant Classification Sherloc (09022015). Collection method: clinical testing. Allele origin: germline.
Comment: This variant, c.487_489del, results in the deletion of 1 amino acid(s) of the TMEM127 protein (p.Lys163del), but otherwise preserves the integrity of the reading frame. This variant is not present in population databases (gnomAD no frequency). This variant has not been reported in the literature in individuals affected with TMEM127-related conditions. Experimental studies and prediction algorithms are not available or were not evaluated, and the functional significance of this variant is currently unknown. In summary, the available evidence is currently insufficient to determine the role of this variant in disease. Therefore, it has been classified as a Variant of Uncertain Significance.